The following is an entry in ClinVar:

NM_001709.5(BDNF):c.484G>A (p.Gly162Arg)

Genes: BDNF (brain derived neurotrophic factor; minus strand), BDNF-AS (BDNF antisense RNA; plus strand). Cytogenetic location: 11p14.1.
Variant type: single nucleotide variant.
Coding change: c.484G>A on transcript NM_001709.5 (MANE Select); coding-DNA position 484, G replaced by A.
Protein change: p.Gly162Arg; replaces glycine 162 with arginine.
Molecular consequence: missense variant.
Genome position (GRCh38, 1-based): chr11:27,658,081, C>T on the plus strand (G>A on the coding strand, the complement: BDNF is on the minus strand). VCF-style: chr11-27658081-C-T. GRCh37 (hg19) VCF-style: chr11-27679628-C-T.
Other names: c.484G>A, p.Gly162Arg (NM_001143805.1, NM_001143806.1, NM_001143807.2 and 9 more transcripts); c.571G>A, p.Gly191Arg (NM_001143809.2); c.730G>A, p.Gly244Arg (NM_001143810.2); c.508G>A, p.Gly170Arg (NM_170731.5); c.529G>A, p.Gly177Arg (NM_170734.4); short protein forms G162R, G177R, G191R, G244R, G170R.
Identifiers: ClinVar variation 4991391 (VCV004991391.1).

ClinVar aggregate classification (germline): Uncertain significance (1 of 4 stars; one submission).

Conditions:
BDNF-related disorder. Also called: BDNF-related condition.

gnomAD v4.1: 3 of 1,614,126 alleles (0.00019%); highest among the groups gnomAD compares: Non-Finnish European, 0.00017%; no homozygotes.

Submission:

PreventionGenetics, part of Exact Sciences
Classification: Uncertain significance for BDNF-related condition. Last evaluated: 2025-11-05. Review status: criteria provided, single submitter. Criteria: ACMG Guidelines, 2015. Collection method: clinical testing. Allele origin: germline.
Comment: The BDNF c.730G>A variant is predicted to result in the amino acid substitution p.Gly244Arg. To our knowledge, this variant has not been reported in the literature or in a large population database (gnomAD), indicating this variant is rare. At this time, the clinical significance of this variant is uncertain due to the absence of conclusive functional and genetic evidence.